The following is an entry in ClinVar:

ClinVar aggregate classification (germline): Likely benign. Review status: criteria provided, multiple submitters, no conflicts (2 of 4 stars). 4 submissions from 4 submitters: Likely benign (3). 1 of the submissions does not count toward it. Last evaluated 2026-02-01.

Conditions:
NCAPD2-related disorder. Also called: NCAPD2-related condition.

Allele frequency attached by ClinVar (database versions not stated): 1000 Genomes Project 30x 0.00125; gnomAD exomes 0.00509 and 0.00813; 1000 Genomes Project 0.00120; TOPMed 0.00513; gnomAD 0.00514 and 0.00542; ExAC 0.00528; ESP Exome Variant Server 0.00592.
gnomAD v4.1: 12,559 of 1,614,080 alleles (0.78%); highest among the groups gnomAD compares: Non-Finnish European, 0.96%; 69 homozygotes.

Submissions (4):

CeGaT Center for Human Genetics Tuebingen
Classification: Likely benign. Last evaluated: 2026-02-01. Review status: criteria provided, single submitter. Criteria: CeGaT Center For Human Genetics Tuebingen Variant Classification Criteria Version 2. Collection method: clinical testing. Allele origin: germline. Affected: yes. Observed: 9 variant alleles.
Comment: NCAPD2: BP4, BS2

Labcorp Genetics (formerly Invitae), Labcorp
Classification: Likely benign. Last evaluated: 2019-12-31. Review status: criteria provided, single submitter. Criteria: Invitae Variant Classification Sherloc (09022015). Collection method: clinical testing. Allele origin: germline.

Breakthrough Genomics
Classification: Likely benign. Review status: criteria provided, single submitter. Criteria: ACMG Guidelines, 2015. Collection method: not provided. Allele origin: germline. Inheritance: Autosomal recessive inheritance. Affected: yes.

PreventionGenetics, part of Exact Sciences
Classification: Benign for NCAPD2-related condition. Last evaluated: 2019-05-01. Review status: no assertion criteria provided. Collection method: clinical testing. Allele origin: germline. Not counted in ClinVar's aggregate classification.
Comment: This variant is classified as benign based on ACMG/AMP sequence variant interpretation guidelines (Richards et al. 2015 PMID: 25741868, with internal and published modifications).

NM_014865.4(NCAPD2):c.1739A>G (p.Lys580Arg)

Gene: NCAPD2 (non-SMC condensin I complex subunit D2; plus strand). Cytogenetic location: 12p13.31.
Variant type: single nucleotide variant.
Coding change: c.1739A>G on transcript NM_014865.4 (MANE Select); coding-DNA position 1739, A replaced by G.
Protein change: p.Lys580Arg; replaces lysine 580 with arginine.
Molecular consequence: missense variant.
Genome position (GRCh38, 1-based): chr12:6,521,822, A>G. VCF-style: chr12-6521822-A-G. GRCh37 (hg19) VCF-style: chr12-6630988-A-G.
Other names: short protein forms K580R.
Identifiers: ClinVar variation 784230 (VCV000784230.30), dbSNP rs17725914, ClinGen allele CA6408495.
Genomic context (GRCh38, chr12:6,521,822, plus strand): 5'-TGAACGAAACCATCCTGTACTTCTCTAACTCCTTAGGCCCAGCAGCTTCCACACAAGAAA[A>G]GAATCCCCGGGAGTCTACAGGAAACATGGTCACAGGACAGACTGTCTGTAAAAATAAACC-3'
Protein context (NP_055680.3, residues 570-590): FKGPAASTQE[Lys580Arg]NPRESTGNMV